The following is an entry in ClinVar:

ClinVar aggregate classification (germline): Pathogenic. Review status: criteria provided, multiple submitters, no conflicts (2 of 4 stars). 2 submissions from 2 submitters: Pathogenic (2). Last evaluated 2025-02-27.

Conditions:
Hereditary cancer-predisposing syndrome. Also called: Hereditary Cancer Syndrome; Tumor predisposition; Hereditary neoplastic syndrome; Neoplastic Syndromes, Hereditary. Identifiers: Orphanet 140162, MedGen C0027672, MeSH D009386, MONDO:0015356.
Gorlin syndrome. Also called: Basal cell nevus syndrome; Nevoid Basal Cell Carcinoma Syndrome. Identifiers: Orphanet 377, MedGen C0004779, MONDO:0007187.

Submissions (2):

Ambry Genetics
Classification: Pathogenic for Hereditary cancer-predisposing syndrome. Last evaluated: 2025-02-27. Review status: criteria provided, single submitter. Criteria: Ambry Variant Classification Scheme 2023. Collection method: clinical testing. Allele origin: germline.
Comment: The c.1894delG pathogenic mutation, located in coding exon 14 of the PTCH1 gene, results from a deletion of one nucleotide at nucleotide position 1894, causing a translational frameshift with a predicted alternate stop codon (p.D632Tfs*61). This variant is considered to be rare based on population cohorts in the Genome Aggregation Database (gnomAD). This alteration is expected to result in loss of function by premature protein truncation or nonsense-mediated mRNA decay. As such, this alteration is interpreted as a disease-causing mutation.

Labcorp Genetics (formerly Invitae), Labcorp
Classification: Pathogenic for Gorlin syndrome. Last evaluated: 2023-08-07. Review status: criteria provided, single submitter. Criteria: Invitae Variant Classification Sherloc (09022015). Collection method: clinical testing. Allele origin: germline.
Comment: This variant is not present in population databases (gnomAD no frequency). This sequence change creates a premature translational stop signal (p.Asp632Thrfs*61) in the PTCH1 gene. It is expected to result in an absent or disrupted protein product. Loss-of-function variants in PTCH1 are known to be pathogenic (PMID: 16301862, 16419085). This variant has not been reported in the literature in individuals affected with PTCH1-related conditions. For these reasons, this variant has been classified as Pathogenic.

Literature cited by the submitters: PubMed 16301862 (cited by Labcorp Genetics (formerly Invitae), Labcorp); PubMed 16419085 (cited by Labcorp Genetics (formerly Invitae), Labcorp).

NM_000264.5(PTCH1):c.1894del (p.Asp632fs)

Genes: PTCH1 (patched 1; minus strand), LOC100507346 (uncharacterized LOC100507346; plus strand). Cytogenetic location: 9q22.32.
Variant type: Deletion.
Coding change: c.1894del on transcript NM_000264.5 (MANE Select); coding-DNA position 1894, one base deleted (G; older notation c.1894delG).
Protein change: p.Asp632fs; shifts the reading frame from aspartic acid 632.
Molecular consequence: frameshift variant. On other transcripts: non-coding transcript variant (2).
Genome position (GRCh38, 1-based): chr9:95,469,107, C deleted on the plus strand (G on the coding strand, the reverse complement: PTCH1 is on the minus strand). VCF-style (leftmost placement, unchanged base first): chr9-95469106-TC-T. GRCh37 (hg19) VCF-style: chr9-98231388-TC-T.
Other names: c.1696del, p.Asp566fs (NM_001083602.3); c.1891del, p.Asp631fs (NM_001083603.3); c.1441del, p.Asp481fs (NM_001083604.3, NM_001083605.3, NM_001083606.3 and 1 more transcripts); c.1738del, p.Asp580fs (NM_001354918.2); short protein forms D632fs, D580fs, D566fs, D481fs, D631fs.
Identifiers: ClinVar variation 2749951 (VCV002749951.4), dbSNP rs2538149907, ClinGen allele CA2697557863.
Genomic context (GRCh38, chr9:95,469,106, plus strand): 5'-TGGGCAAAGCTGTGGCTGCTGTAGGGAGGTGGGGGGCTGTAGCGGGTATTGTCGTGTGTG[TC>T]GGTGTAGGCCTGAGGTTCAACCTGAATCACTCTGCTGACGCAGGGGCTGAAAGGAGGGGA-3'